The following is an entry in ClinVar:

NM_000142.5(FGFR3):c.955A>C (p.Lys319Gln)

Gene: FGFR3 (fibroblast growth factor receptor 3; plus strand). Cytogenetic location: 4p16.3.
Variant type: single nucleotide variant.
Coding change: c.955A>C on transcript NM_000142.5 (MANE Select); coding-DNA position 955, A replaced by C.
Protein change: p.Lys319Gln; replaces lysine 319 with glutamine.
Molecular consequence: missense variant. On other transcripts: non-coding transcript variant (1), intron variant (2).
Genome position (GRCh38, 1-based): chr4:1,803,716, A>C. VCF-style: chr4-1803716-A-C. GRCh37 (hg19) VCF-style: chr4-1805443-A-C.
Other names: c.955A>C, p.Lys319Gln (NM_001354809.2, NM_001354810.2); c.1082-614A>C (NM_001163213.2); c.931-1108A>C (NM_022965.4); short protein forms K319Q.
Identifiers: ClinVar variation 3393793 (VCV003393793.1).

ClinVar aggregate classification (germline): Uncertain significance (1 of 4 stars; one submission).

gnomAD v4.1: 5 of 1,613,492 alleles (0.00031%); highest among the groups gnomAD compares: Admixed American, 0.0033%; no homozygotes.

Submission:

GeneDx
Classification: Uncertain significance. Last evaluated: 2024-07-05. Review status: criteria provided, single submitter. Criteria: GeneDx Variant Classification Process June 2021. Collection method: clinical testing. Allele origin: germline. Affected: yes.
Comment: In silico analysis indicates that this missense variant does not alter protein structure/function; Has not been previously published as pathogenic or benign to our knowledge